The following is an entry in ClinVar:

NM_001286.5(CLCN6):c.779G>C (p.Gly260Ala)

Gene: CLCN6 (chloride voltage-gated channel 6; plus strand). Cytogenetic location: 1p36.22.
Variant type: single nucleotide variant.
Coding change: c.779G>C on transcript NM_001286.5 (MANE Select); coding-DNA position 779, G replaced by C.
Protein change: p.Gly260Ala; replaces glycine 260 with alanine.
Molecular consequence: missense variant. On other transcripts: non-coding transcript variant (1).
Genome position (GRCh38, 1-based): chr1:11,827,160, G>C. VCF-style: chr1-11827160-G-C. GRCh37 (hg19) VCF-style: chr1-11887217-G-C.
Other names: c.713G>C, p.Gly238Ala (NM_001256959.2); short protein forms G238A, G260A.
Identifiers: ClinVar variation 3658419 (VCV003658419.2).
Genomic context (GRCh38, chr1:11,827,160, plus strand): 5'-ACTTTGTATCAGCAGGAGCGGCTGCTGGAGTTGCTGCAGCTTTCGGGGCGCCAATCGGGG[G>C]TACCTTGTTCAGTCTAGAGGAGGGTTCGTCCTTCTGGAACCAAGGGCTCACGTGGAAAGT-3'
Protein context (NP_001277.2, residues 250-270): VAAAFGAPIG[Gly260Ala]TLFSLEEGSS

ClinVar aggregate classification (germline): Uncertain significance (1 of 4 stars; one submission).

Submission:

Labcorp Genetics (formerly Invitae), Labcorp
Classification: Uncertain significance. Last evaluated: 2024-07-04. Review status: criteria provided, single submitter. Criteria: Invitae Variant Classification Sherloc (09022015). Collection method: clinical testing. Allele origin: germline.
Comment: This sequence change replaces glycine, which is neutral and non-polar, with alanine, which is neutral and non-polar, at codon 260 of the CLCN6 protein (p.Gly260Ala). This variant is present in population databases (rs369056419, gnomAD 0.007%). This variant has not been reported in the literature in individuals affected with CLCN6-related conditions. Algorithms developed to predict the effect of missense changes on protein structure and function output the following: SIFT: "Not Available"; PolyPhen-2: "Possibly Damaging"; Align-GVGD: "Not Available". The alanine amino acid residue is found in multiple mammalian species, which suggests that this missense change does not adversely affect protein function. In summary, the available evidence is currently insufficient to determine the role of this variant in disease. Therefore, it has been classified as a Variant of Uncertain Significance.